The following is an entry in ClinVar:

NM_001134793.2(HYLS1):c.56G>A (p.Arg19Gln)

Genes: HYLS1 (HYLS1 centriolar and ciliogenesis associated; plus strand), PUS3 (pseudouridine synthase 3; minus strand). Cytogenetic location: 11q24.2.
Variant type: single nucleotide variant.
Coding change: c.56G>A on transcript NM_001134793.2 (MANE Select); coding-DNA position 56, G replaced by A.
Protein change: p.Arg19Gln; replaces arginine 19 with glutamine.
Molecular consequence: missense variant. On other transcripts: intron variant (2).
Genome position (GRCh38, 1-based): chr11:125,899,424, G>A. VCF-style: chr11-125899424-G-A. GRCh37 (hg19) VCF-style: chr11-125769319-G-A.
Other names: c.56G>A, p.Arg19Gln (NM_001377269.1, NM_001377270.1, NM_001424364.1 and 1 more transcripts); c.-246-3635C>T (NM_001271985.2); c.-46-3094C>T (NM_031307.4); short protein forms R19Q.
Identifiers: ClinVar variation 2370591 (VCV002370591.2), dbSNP rs755137516, ClinGen allele CA6350650.
Genomic context (GRCh38, chr11:125,899,424, plus strand): 5'-AAGCAATGGAAGAACTTCTACCTGATGGACAAATATGGGCTAATATGGATCCAGAAGAAC[G>A]AATGTTGGCAGCTGCTACAGCTTTTACCCACATCTGTGCAGGGCAGGGTGAAGGAGATGT-3'
Protein context (NP_001128265.1, residues 9-29): QIWANMDPEE[Arg19Gln]MLAAATAFTH

ClinVar aggregate classification (germline): Uncertain significance (1 of 4 stars; one submission).

Conditions:
Inborn genetic diseases. Identifiers: MedGen C0950123, MeSH D030342.

Allele frequency attached by ClinVar (database versions not stated): gnomAD 0.00001; gnomAD exomes 0.00001; ExAC 0.00002; TOPMed 0.00002.
gnomAD v4.1: 11 of 1,614,082 alleles (0.00068%); highest among the groups gnomAD compares: Admixed American, 0.0033%; no homozygotes.

Submission:

Ambry Genetics
Classification: Uncertain significance for Inborn genetic diseases. Last evaluated: 2021-02-09. Review status: criteria provided, single submitter. Criteria: Ambry Variant Classification Scheme 2023. Collection method: clinical testing. Allele origin: germline.
Comment: The c.56G>A (p.R19Q) alteration is located in exon 4 (coding exon 1) of the HYLS1 gene. This alteration results from a G to A substitution at nucleotide position 56, causing the arginine (R) at amino acid position 19 to be replaced by a glutamine (Q). The p.R19Q alteration is predicted to be tolerated by in silico analysis. Based on insufficient or conflicting evidence, the clinical significance of this alteration remains unclear.